The following is an entry in ClinVar:

NM_000093.5(COL5A1):c.4782C>T (p.Asp1594=)

Genes: COL5A1 (collagen type V alpha 1 chain; plus strand), LOC101448202 (uncharacterized LOC101448202; minus strand). Cytogenetic location: 9q34.3.
Variant type: single nucleotide variant.
Coding change: c.4782C>T on transcript NM_000093.5 (MANE Select); coding-DNA position 4782, C replaced by T.
Protein change: p.Asp1594=; no amino-acid change (aspartic acid 1594 retained).
Molecular consequence: synonymous variant.
Genome position (GRCh38, 1-based): chr9:134,824,683, C>T. VCF-style: chr9-134824683-C-T. GRCh37 (hg19) VCF-style: chr9-137716529-C-T.
Other names: p.Asp1594=; c.4782C>T, p.Asp1594= (NM_001278074.1).
Identifiers: ClinVar variation 264439 (VCV000264439.24), dbSNP rs372971566, ClinGen allele CA5320474.

ClinVar aggregate classification (germline): Conflicting classifications of pathogenicity. Review status: criteria provided, conflicting classifications (1 of 4 stars). 9 submissions from 9 submitters: Uncertain significance (1); Likely benign (6). 2 of the submissions do not count toward it. Last evaluated 2025-12-19.

Conditions:
Ehlers-Danlos syndrome, classic type, 1 (EDSCL1). Also called: EDS I; Ehlers-Danlos Syndrome, Classic Type, COL5A1-Related; Ehlers-Danlos syndrome, type 1; EHLERS-DANLOS SYNDROME, GRAVIS TYPE; EHLERS-DANLOS SYNDROME, SEVERE CLASSIC TYPE. Identifiers: MedGen C0268335, MONDO:0019567, OMIM 130000.
Ehlers-Danlos syndrome (EDS). Identifiers: Orphanet 98249, MedGen C0013720, MONDO:0020066.
Familial thoracic aortic aneurysm and aortic dissection (TAAD). Also called: Thoracic aortic aneurysms and dissections. Identifiers: Orphanet 91387, MedGen C4707243, MONDO:0019625.

Allele frequency attached by ClinVar (database versions not stated): gnomAD 0.00005; ESP Exome Variant Server 0.00008; gnomAD exomes 0.00008 and 0.00004; ExAC 0.00002; TOPMed 0.00003.
gnomAD v4.1: 121 of 1,614,100 alleles (0.0075%); highest among the groups gnomAD compares: Middle Eastern, 0.033%; no homozygotes.

Submissions (9):

Labcorp Genetics (formerly Invitae), Labcorp
Classification: Likely benign for Ehlers-Danlos syndrome, classic type, 1. Last evaluated: 2025-12-19. Review status: criteria provided, single submitter. Criteria: Invitae Variant Classification Sherloc (09022015). Collection method: clinical testing. Allele origin: germline.

Mayo Clinic Laboratories, Mayo Clinic
Classification: Likely benign. Last evaluated: 2025-06-30. Review status: criteria provided, single submitter. Criteria: ACMG Guidelines, 2015. Collection method: clinical testing. Allele origin: germline. Observed: 2 variant alleles.
Comment: BS1, BP4, BP7

Women's Health and Genetics/Laboratory Corporation of America, LabCorp
Classification: Likely benign. Last evaluated: 2025-05-30. Review status: criteria provided, single submitter. Criteria: LabCorp Variant Classification Summary - May 2015. Collection method: clinical testing. Allele origin: germline.

Blueprint Genetics
Classification: Likely benign. Last evaluated: 2022-06-04. Review status: criteria provided, single submitter. Criteria: ACMG Guidelines, 2015. Collection method: clinical testing. Allele origin: germline.

Genome Diagnostics Laboratory, The Hospital for Sick Children
Classification: Uncertain significance for Ehlers-Danlos syndrome. Last evaluated: 2020-02-01. Review status: criteria provided, single submitter. Criteria: ACMG Guidelines, 2015. Collection method: clinical testing. Allele origin: germline.

GeneDx
Classification: Likely benign. Last evaluated: 2018-11-05. Review status: criteria provided, single submitter. Criteria: GeneDx Variant Classification Process June 2021. Collection method: clinical testing. Allele origin: germline. Affected: yes.

Ambry Genetics
Classification: Likely benign for Familial thoracic aortic aneurysm and aortic dissection. Last evaluated: 2015-11-04. Review status: criteria provided, single submitter. Criteria: Ambry Variant Classification Scheme 2023. Collection method: clinical testing. Allele origin: germline.

Clinical Genetics DNA and cytogenetics Diagnostics Lab, Erasmus MC, Erasmus Medical Center
Classification: Likely benign. Review status: no assertion criteria provided. Collection method: clinical testing. Allele origin: germline. Affected: yes. Study: VKGL Data-share Consensus. Not counted in ClinVar's aggregate classification.

Genome Diagnostics Laboratory, Amsterdam University Medical Center
Classification: Likely benign. Review status: no assertion criteria provided. Collection method: clinical testing. Allele origin: germline. Affected: yes. Study: VKGL Data-share Consensus. Not counted in ClinVar's aggregate classification.